The following is an entry in ClinVar:

ClinVar aggregate classification (germline): Uncertain significance (1 of 4 stars; one submission).

gnomAD v4.1: 2 of 1,614,266 alleles (0.00012%); highest among the groups gnomAD compares: South Asian, 0.0022%; no homozygotes.

Submission:

GeneDx
Classification: Uncertain significance. Last evaluated: 2024-11-24. Review status: criteria provided, single submitter. Criteria: GeneDx Variant Classification Process June 2021. Collection method: clinical testing. Allele origin: germline. Affected: yes.
Comment: Not observed at significant frequency in large population cohorts (gnomAD); In silico analysis indicates that this missense variant does not alter protein structure/function; Has not been previously published as pathogenic or benign to our knowledge

NM_001077365.2(POMT1):c.712T>C (p.Cys238Arg)

Gene: POMT1 (protein O-mannosyltransferase 1; plus strand). Cytogenetic location: 9q34.13.
Variant type: single nucleotide variant.
Coding change: c.712T>C on transcript NM_001077365.2 (MANE Select); coding-DNA position 712, T replaced by C.
Protein change: p.Cys238Arg; replaces cysteine 238 with arginine.
Molecular consequence: missense variant. On other transcripts: 5 prime UTR variant (1), non-coding transcript variant (10).
Genome position (GRCh38, 1-based): chr9:131,510,272, T>C. VCF-style: chr9-131510272-T-C. GRCh37 (hg19) VCF-style: chr9-134385659-T-C.
Other names: c.550T>C, p.Cys184Arg (NM_001077366.2, NM_001353194.2, NM_001374693.1); c.712T>C, p.Cys238Arg (NM_001136113.2, NM_001374690.1); c.361T>C, p.Cys121Arg (NM_001136114.2, NM_001353195.2, NM_001374691.1 and 1 more transcripts); c.778T>C, p.Cys260Arg (NM_001353193.2, NM_007171.4); c.622T>C, p.Cys208Arg (NM_001353196.2); c.616T>C, p.Cys206Arg (NM_001353197.2, NM_001353198.2); c.427T>C, p.Cys143Arg (NM_001353199.2); c.256T>C, p.Cys86Arg (NM_001353200.2); and 3 more; short protein forms C206R, C208R, C238R, C260R, C86R, L232P, C108R, C121R.
Identifiers: ClinVar variation 3900462 (VCV003900462.1).